The following is an entry in ClinVar:

ClinVar aggregate classification (germline): Pathogenic (1 of 4 stars; one submission).

Conditions:
Cerebral cavernous malformation 1. Also called: Familial Cerebral Cavernous Malformation 1; Cerebral cavernous malformations 1. Identifiers: MedGen C1366911, MONDO:0020724.

Submission:

Victorian Clinical Genetics Services, Murdoch Childrens Research Institute
Classification: Pathogenic for Cerebral cavernous malformation 1. Last evaluated: 2020-05-21. Review status: criteria provided, single submitter. Criteria: ACMG Guidelines, 2015. Collection method: clinical testing. Allele origin: germline. Inheritance: Autosomal dominant inheritance. Affected: yes.
Comment: Based on the classification scheme VCGS_Germline_v1.1.1, this variant is classified as 5-Pathogenic. Following criteria are met: 0102 - Loss-of-function is a known mechanism of disease for this gene. (N) 0107 - This gene is known to be associated with autosomal dominant disease. (N) 0112 - Variants in this gene are known to have reduced penetrance (PMID: 16571644). (N) 0202 - Variant is predicted to cause nonsense-mediated decay (NMD) and loss of protein but is located in an exon that may undergo alternative splicing (exon 11 of 20; GTEx). (P) 0251 - Variant is heterozygous. (N) 0301 - Variant is absent from gnomAD. (P) 0701 - Comparable variants have very strong previous evidence for pathogenicity, with many NMD predicted variants reported as pathogenic (ClinVar, PMID: 12404106). (P) 0807 - Variant has not previously been reported in a clinical context. (N) 0905 - No segregation evidence has been identified for this variant in the literature. (N) 1007 - No published functional evidence has been identified for this variant. (N) 1208 - Inheritance information for this variant is not currently available. (N) Legend: (P) - Pathogenic, (N) - Neutral, (B) - Benign

Literature cited by the submitters: PubMed 12404106; PubMed 16571644.

NM_194454.3(KRIT1):c.953_956del (p.Asp318fs)

Gene: KRIT1 (KRIT1 ankyrin repeat containing; minus strand). Cytogenetic location: 7q21.2.
Variant type: Deletion.
Coding change: c.953_956del on transcript NM_194454.3 (MANE Select); coding-DNA positions 953 to 956, 4 bases deleted (ATAG; older notation c.953_956delATAG).
Protein change: p.Asp318fs; shifts the reading frame from aspartic acid 318.
Molecular consequence: frameshift variant. On other transcripts: intron variant (3).
Genome position (GRCh38, 1-based): chr7:92,234,482-92,234,485, CTAT deleted on the plus strand (ATAG on the coding strand, the reverse complement: KRIT1 is on the minus strand); deleting any 4 consecutive bases within chr7:92,234,482-92,234,488 gives the same sequence; the c. name uses the placement nearest the transcript's 3' end. VCF-style (leftmost placement, unchanged base first): chr7-92234481-ACTAT-A. GRCh37 (hg19) VCF-style: chr7-91863795-ACTAT-A.
Other names: c.953_956delATAG (NM_194456.1); c.239_242del, p.Asp80fs (NM_001350671.1); c.953_956del, p.Asp318fs (NM_001350672.1, NM_001350673.1, NM_001350674.1 and 26 more transcripts); c.845+323_845+326del (NM_001350669.1, NM_001013406.2, NM_001350670.1); short protein forms D318fs, D80fs.
Identifiers: ClinVar variation 1805790 (VCV001805790.1), dbSNP rs2536003797, ClinGen allele CA923726170.